The following is an entry in ClinVar:

ClinVar aggregate classification (germline): Uncertain significance (1 of 4 stars; one submission).

Submission:

CeGaT Center for Human Genetics Tuebingen
Classification: Uncertain significance. Last evaluated: 2024-09-01. Review status: criteria provided, single submitter. Criteria: CeGaT Center For Human Genetics Tuebingen Variant Classification Criteria Version 2. Collection method: clinical testing. Allele origin: germline. Affected: yes. Observed: 1 variant allele.
Comment: SYNE1: PM2

NM_182961.4(SYNE1):c.2098T>C (p.Tyr700His)

Gene: SYNE1 (spectrin repeat containing nuclear envelope protein 1; minus strand). Cytogenetic location: 6q25.2.
Variant type: single nucleotide variant.
Coding change: c.2098T>C on transcript NM_182961.4 (MANE Select); coding-DNA position 2098, T replaced by C.
Protein change: p.Tyr700His; replaces tyrosine 700 with histidine.
Molecular consequence: missense variant.
Genome position (GRCh38, 1-based): chr6:152,462,890, A>G on the plus strand (T>C on the coding strand, the complement: SYNE1 is on the minus strand). VCF-style: chr6-152462890-A-G. GRCh37 (hg19) VCF-style: chr6-152784025-A-G.
Other names: c.2119T>C, p.Tyr707His (NM_033071.5); short protein forms Y700H, Y707H.
Identifiers: ClinVar variation 3389293 (VCV003389293.14).